The following is an entry in ClinVar:

ClinVar aggregate classification (germline): Uncertain significance. Review status: criteria provided, multiple submitters, no conflicts (2 of 4 stars). 2 submissions from 2 submitters: Uncertain significance (2). Last evaluated 2025-04-16.

Conditions:
Inborn genetic diseases. Identifiers: MedGen C0950123, MeSH D030342.

Allele frequency attached by ClinVar (database versions not stated): ESP Exome Variant Server 0.00008.

Submissions (2):

Women's Health and Genetics/Laboratory Corporation of America, LabCorp
Classification: Uncertain significance. Last evaluated: 2025-04-16. Review status: criteria provided, single submitter. Criteria: LabCorp Variant Classification Summary - May 2015. Collection method: clinical testing. Allele origin: germline.
Comment: Variant summary: PROP1 c.19C>T (p.Arg7Cys) results in a non-conservative amino acid change in the encoded protein sequence. Three of five in-silico tools predict a benign effect of the variant on protein function. The variant allele was found at a frequency of 2.4e-05 in 251220 control chromosomes. The available data on variant occurrences in the general population are insufficient to allow any conclusion about variant significance. To our knowledge, no occurrence of c.19C>T in individuals affected with &phenotype& and no experimental evidence demonstrating its impact on protein function have been reported. ClinVar contains an entry for this variant (Variation ID: 3219049). Based on the evidence outlined above, the variant was classified as uncertain significance.

Ambry Genetics
Classification: Uncertain significance for Inborn genetic diseases. Last evaluated: 2024-02-06. Review status: criteria provided, single submitter. Criteria: Ambry Variant Classification Scheme 2023. Collection method: clinical testing. Allele origin: germline.

NM_006261.5(PROP1):c.19C>T (p.Arg7Cys)

Gene: PROP1 (PROP paired-like homeobox 1; minus strand). Cytogenetic location: 5q35.3.
Variant type: single nucleotide variant.
Coding change: c.19C>T on transcript NM_006261.5 (MANE Select); coding-DNA position 19, C replaced by T.
Protein change: p.Arg7Cys; replaces arginine 7 with cysteine.
Molecular consequence: missense variant.
Genome position (GRCh38, 1-based): chr5:177,995,915, G>A on the plus strand (C>T on the coding strand, the complement: PROP1 is on the minus strand). VCF-style: chr5-177995915-G-A. GRCh37 (hg19) VCF-style: chr5-177422916-G-A.
Other names: short protein forms R7C.
Identifiers: ClinVar variation 3219049 (VCV003219049.3), dbSNP rs374712664, ClinGen allele CA3587662.
Genomic context (GRCh38, chr5:177,995,915, plus strand): 5'-GGTGTCTCTCAGGCAACAGGTTGCTGCCGACTCGCCCCTTCTTTGGCTTCTCAGCCTGGC[G>A]CCTCCTTTCTGCTTCCATGGCTCGCCACGGGGACCAAGTGTCCCTGAATCTCTGACTTGA-3'
Protein context (NP_006252.4, residues 1-17): MEAERR[Arg7Cys]QAEKPKKGRV